The following is an entry in ClinVar:

ClinVar aggregate classification (germline): Likely benign (0 of 4 stars; one submission).

Conditions:
SMAD7-related disorder. Also called: SMAD7-related condition.

gnomAD v4.1: 217 of 1,613,998 alleles (0.013%); highest among the groups gnomAD compares: Non-Finnish European, 0.016%; 1 homozygote.

Submission:

PreventionGenetics, part of Exact Sciences
Classification: Likely benign for SMAD7-related condition. Last evaluated: 2019-06-20. Review status: no assertion criteria provided. Collection method: clinical testing. Allele origin: germline.
Comment: This variant is classified as likely benign based on ACMG/AMP sequence variant interpretation guidelines (Richards et al. 2015 PMID: 25741868, with internal and published modifications).

NM_005904.4(SMAD7):c.909G>A (p.Ser303=)

Gene: SMAD7 (SMAD family member 7; minus strand). Cytogenetic location: 18q21.1.
Variant type: single nucleotide variant.
Coding change: c.909G>A on transcript NM_005904.4 (MANE Select); coding-DNA position 909, G replaced by A.
Protein change: p.Ser303=; no amino-acid change (serine 303 retained).
Molecular consequence: synonymous variant.
Genome position (GRCh38, 1-based): chr18:48,921,744, C>T on the plus strand (G>A on the coding strand, the complement: SMAD7 is on the minus strand). VCF-style: chr18-48921744-C-T. GRCh37 (hg19) VCF-style: chr18-46448114-C-T.
Other names: c.906G>A, p.Ser302= (NM_001190821.2); c.264G>A, p.Ser88= (NM_001190822.2); c.345G>A, p.Ser115= (NM_001190823.2).
Identifiers: ClinVar variation 3352510 (VCV003352510.1).